The following is an entry in ClinVar:

NM_007194.4(CHEK2):c.518A>T (p.Glu173Val)

Gene: CHEK2 (checkpoint kinase 2; minus strand). Cytogenetic location: 22q12.1.
Variant type: single nucleotide variant.
Coding change: c.518A>T on transcript NM_007194.4 (MANE Select); coding-DNA position 518, A replaced by T.
Protein change: p.Glu173Val; replaces glutamic acid 173 with valine.
Molecular consequence: missense variant. On other transcripts: 5 prime UTR variant (2), intron variant (1).
Genome position (GRCh38, 1-based): chr22:28,725,051, T>A on the plus strand (A>T on the coding strand, the complement: CHEK2 is on the minus strand). VCF-style: chr22-28725051-T-A. GRCh37 (hg19) VCF-style: chr22-29121039-T-A.
Other names: c.647A>T, p.Glu216Val (NM_001005735.3, NM_001438294.1); c.-260A>T (NM_001257387.3); c.-146A>T (NM_001437942.1); c.611A>T, p.Glu204Val (NM_001438293.1, NM_001438295.1); c.518A>T, p.Glu173Val (NM_145862.3); c.445-128A>T (NM_001349956.3); short protein forms E173V, E216V, E204V.
Identifiers: ClinVar variation 1434080 (VCV001434080.7), dbSNP rs1601823504, ClinGen allele CA411107346.

ClinVar aggregate classification (germline): Uncertain significance (1 of 4 stars; one submission).

Conditions:
Familial cancer of breast. Also called: BREAST CANCER, FAMILIAL; Hereditary breast cancer; hereditary breast carcinoma. Identifiers: Orphanet 227535, MedGen C0346153, MONDO:0016419, OMIM 114480. Disease mechanism: loss of function.

Submission:

Labcorp Genetics (formerly Invitae), Labcorp
Classification: Uncertain significance for Familial cancer of breast. Last evaluated: 2021-08-19. Review status: criteria provided, single submitter. Criteria: Invitae Variant Classification Sherloc (09022015). Collection method: clinical testing. Allele origin: germline.
Comment: Algorithms developed to predict the effect of missense changes on protein structure and function output the following: SIFT: "Deleterious"; PolyPhen-2: "Benign"; Align-GVGD: "Class C0". The valine amino acid residue is found in multiple mammalian species, which suggests that this missense change does not adversely affect protein function. This variant has not been reported in the literature in individuals affected with CHEK2-related conditions. This variant is not present in population databases (ExAC no frequency). This sequence change replaces glutamic acid with valine at codon 173 of the CHEK2 protein (p.Glu173Val). The glutamic acid residue is highly conserved and there is a moderate physicochemical difference between glutamic acid and valine. In summary, the available evidence is currently insufficient to determine the role of this variant in disease. Therefore, it has been classified as a Variant of Uncertain Significance.